The following is an entry in ClinVar:

ClinVar aggregate classification (germline): Conflicting classifications of pathogenicity. Review status: criteria provided, conflicting classifications (1 of 4 stars). 3 submissions from 3 submitters: Uncertain significance (1); Benign (1). 1 of the submissions does not count toward it. Last evaluated 2025-07-06.

Conditions:
Adams-Oliver syndrome 5 (AOS5). Identifiers: Orphanet 974, MedGen C4014970, MONDO:0014459, OMIM 616028.
Familial thoracic aortic aneurysm and aortic dissection (TAAD). Also called: Thoracic aortic aneurysms and dissections. Identifiers: Orphanet 91387, MedGen C4707243, MONDO:0019625.

Allele frequency attached by ClinVar (database versions not stated): gnomAD exomes 0.00004; TOPMed 0.00005; gnomAD 0.00007; ExAC 0.00015.
gnomAD v4.1: 40 of 1,586,464 alleles (0.0025%); highest among the groups gnomAD compares: East Asian, 0.036%; no homozygotes.

Submissions (3):

Labcorp Genetics (formerly Invitae), Labcorp
Classification: Benign for Adams-Oliver syndrome 5. Last evaluated: 2025-07-06. Review status: criteria provided, single submitter. Criteria: Invitae Variant Classification Sherloc (09022015). Collection method: clinical testing. Allele origin: germline.

Ambry Genetics
Classification: Uncertain significance for Familial thoracic aortic aneurysm and aortic dissection. Last evaluated: 2022-03-11. Review status: criteria provided, single submitter. Criteria: Ambry Variant Classification Scheme 2023. Collection method: clinical testing. Allele origin: germline.

ITMI
No classification provided. Condition: AllHighlyPenetrant. Last evaluated: 2013-09-19. Review status: no classification provided. Collection method: reference population. Allele origin: germline. Not counted in ClinVar's aggregate classification.
Comment: Please see associated publication for description of ethnicities

Literature cited by the submitters: PubMed 24728327 (cited by ITMI).

NM_017617.5(NOTCH1):c.2192G>A (p.Arg731Gln)

Gene: NOTCH1 (notch receptor 1; minus strand). Cytogenetic location: 9q34.3.
Variant type: single nucleotide variant.
Coding change: c.2192G>A on transcript NM_017617.5 (MANE Select); coding-DNA position 2192, G replaced by A.
Protein change: p.Arg731Gln; replaces arginine 731 with glutamine.
Molecular consequence: missense variant.
Genome position (GRCh38, 1-based): chr9:136,514,525, C>T on the plus strand (G>A on the coding strand, the complement: NOTCH1 is on the minus strand). VCF-style: chr9-136514525-C-T. GRCh37 (hg19) VCF-style: chr9-139408977-C-T.
Other names: c.2192G>A, p.Arg731Gln (LRG_1122t1); c.2192G>A (NM_017617.3); short protein forms R731Q.
Identifiers: ClinVar variation 134913 (VCV000134913.7), dbSNP rs587778558, ClinGen allele CA161153.
Genomic context (GRCh38, chr9:136,514,525, plus strand): 5'-AGGGTTTAGGACTGATGTGTCCCCATGATCGGCCCCGCCGCATACCCGTTGAGGCTGTCC[C>T]GGCAGGCCCCGTGGACGCAGGGGTTGCTGTTGCACTCATTGACCTCAGACAGGCAGGTGG-3'
Protein context (NP_060087.3, residues 721-741): NSNPCVHGAC[Arg731Gln]DSLNGYKCDC